The following is an entry in ClinVar:

ClinVar aggregate classification (germline): Likely pathogenic. Review status: reviewed by expert panel (3 of 4 stars). 4 submissions from 4 submitters: Likely pathogenic (1). 3 of the submissions do not count toward it. Last evaluated 2023-01-10.

Conditions:
Very long chain acyl-CoA dehydrogenase deficiency (ACADVLD). Also called: Very Long-Chain Acyl-Coenzyme A Dehydrogenase Deficiency; VLCAD Deficiency. Identifiers: Orphanet 26793, MedGen C3887523, MONDO:0008723, OMIM 201475.

Allele frequency attached by ClinVar (database versions not stated): gnomAD exomes below 0.00001.

Submissions (4):

ClinGen ACADVL Variant Curation Expert Panel, ClinGen
Classification: Likely pathogenic for Very long chain acyl-CoA dehydrogenase deficiency. Last evaluated: 2023-01-10. Review status: reviewed by expert panel. Criteria: clingen acadvl acmg specifications v1. Collection method: curation. Allele origin: germline. Inheritance: Autosomal recessive inheritance.
Comment: The NM_000018.4: c.797_798del (p.Pro266ArgfsTer31) variant in ACADVL is a frameshift variant predicted to cause a premature stop codon in biologically relevant exon 9/20 leading to nonsense mediated decay in a gene in which loss-of-function is an established disease mechanism (PVS1; PMIDs 9973285, 11590124). At least one individual with this variant was identified by newborn screen, but this information is insufficient to use toward classification (PMID: 26385305). This variant is absent from gnomAD v2.1.1 (PM2_supporting). In summary, this variant meets the criteria to be classified as likely pathogenic for autosomal recessive VLCAD deficiency based on the ACMG/AMP criteria applied, as specified by the ClinGen ACADVL Variant Curation Expert Panel: PVS1, PM2_Supporting (ACADVL VCEP specifications version 1; approved November 8, 2021).

Fulgent Genetics
Classification: Likely pathogenic for Very long chain acyl-CoA dehydrogenase deficiency. Last evaluated: 2024-02-02. Review status: criteria provided, single submitter. Criteria: ACMG Guidelines, 2015. Collection method: clinical testing. Allele origin: germline. Not counted in ClinVar's aggregate classification.

Labcorp Genetics (formerly Invitae), Labcorp
Classification: Pathogenic for Very long chain acyl-CoA dehydrogenase deficiency. Last evaluated: 2021-11-25. Review status: criteria provided, single submitter. Criteria: Invitae Variant Classification Sherloc (09022015). Collection method: clinical testing. Allele origin: germline. Not counted in ClinVar's aggregate classification.
Comment: ClinVar contains an entry for this variant (Variation ID: 932845). This premature translational stop signal has been observed in individual(s) with a positive newborn screening result for ACADVL-related disease (PMID: 26385305). This variant is not present in population databases (gnomAD no frequency). This sequence change creates a premature translational stop signal (p.Pro266Argfs*31) in the ACADVL gene. It is expected to result in an absent or disrupted protein product. Loss-of-function variants in ACADVL are known to be pathogenic (PMID: 9973285, 11590124). For these reasons, this variant has been classified as Pathogenic.

Wong Mito Lab, Molecular and Human Genetics, Baylor College of Medicine
Classification: Pathogenic for Very long chain acyl-CoA dehydrogenase deficiency. Last evaluated: 2019-11-01. Review status: criteria provided, single submitter. Criteria: ACMG Guidelines, 2015. Collection method: clinical testing. Allele origin: germline. Not counted in ClinVar's aggregate classification.
Comment: The NM_000018.3:c.797_798delCA (NP_000009.1:p.Pro266ArgfsTer31) [GRCH38: NC_000017.11:g.7222221_7222222del] variant in ACADVL gene is interpretated to be Pathogenic based on ACMG guidelines (PMID: 25741868). This variant has been reported. This variant meets the following evidence codes reported in the ACMG guidelines: PVS1, PS3

Literature cited by the submitters: PubMed 26385305 (cited by Labcorp Genetics (formerly Invitae), Labcorp); PubMed 9973285 (cited by Labcorp Genetics (formerly Invitae), Labcorp); PubMed 11590124 (cited by Labcorp Genetics (formerly Invitae), Labcorp).

NM_000018.4(ACADVL):c.797_798del (p.Pro266fs)

Gene: ACADVL (acyl-CoA dehydrogenase very long chain; plus strand). Cytogenetic location: 17p13.1.
Variant type: Deletion.
Coding change: c.797_798del on transcript NM_000018.4 (MANE Select); coding-DNA positions 797 to 798, 2 bases deleted (CA; older notation c.797_798delCA).
Protein change: p.Pro266fs; shifts the reading frame from proline 266.
Molecular consequence: frameshift variant.
Genome position (GRCh38, 1-based): chr17:7,222,221-7,222,222, CA deleted. VCF-style (leftmost placement, unchanged base first): chr17-7222220-CCA-C. GRCh37 (hg19) VCF-style: chr17-7125539-CCA-C.
Other names: NM_000018.4(ACADVL):c.797_798del; p.Pro266fs; c.731_732del, p.Pro244fs (NM_001033859.3); c.866_867del, p.Pro289fs (NM_001270447.2); c.569_570del, p.Pro190fs (NM_001270448.2); short protein forms P190fs, P244fs, P266fs, P289fs.
Identifiers: ClinVar variation 932845 (VCV000932845.9), dbSNP rs2071266269, ClinGen allele CA1139665143.